The following is an entry in ClinVar:

NM_001164.5(APBB1):c.349T>A (p.Tyr117Asn)

Gene: APBB1 (amyloid beta precursor protein binding family B member 1; minus strand). Cytogenetic location: 11p15.4.
Variant type: single nucleotide variant.
Coding change: c.349T>A on transcript NM_001164.5 (MANE Select); coding-DNA position 349, T replaced by A.
Protein change: p.Tyr117Asn; replaces tyrosine 117 with asparagine.
Molecular consequence: missense variant. On other transcripts: non-coding transcript variant (1).
Genome position (GRCh38, 1-based): chr11:6,410,999, A>T on the plus strand (T>A on the coding strand, the complement: APBB1 is on the minus strand). VCF-style: chr11-6410999-A-T. GRCh37 (hg19) VCF-style: chr11-6432229-A-T.
Other names: c.349T>A, p.Tyr117Asn (NM_145689.3); c.349T>A (NM_001164.4); short protein forms Y117N.
Identifiers: ClinVar variation 2277743 (VCV002277743.4), dbSNP rs148090907, ClinGen allele CA5853669.

ClinVar aggregate classification (germline): Uncertain significance. Review status: criteria provided, single submitter (1 of 4 stars). 2 submissions from 2 submitters: Uncertain significance (1). 1 of the submissions does not count toward it. Last evaluated 2021-09-16.

Conditions:
APBB1-related disorder. Also called: APBB1-related condition.

Allele frequency attached by ClinVar (database versions not stated): 1000 Genomes Project 0.00020; 1000 Genomes Project 30x 0.00031; TOPMed 0.00032; gnomAD 0.00037; gnomAD exomes 0.00040; ESP Exome Variant Server 0.00054; ExAC 0.00074.

Submissions (2):

Ambry Genetics
Classification: Uncertain significance. Last evaluated: 2021-09-16. Review status: criteria provided, single submitter. Criteria: Ambry Variant Classification Scheme 2023. Collection method: clinical testing. Allele origin: germline.

PreventionGenetics, part of Exact Sciences
Classification: Likely benign for APBB1-related condition. Last evaluated: 2023-06-06. Review status: no assertion criteria provided. Collection method: clinical testing. Allele origin: germline. Not counted in ClinVar's aggregate classification.
Comment: This variant is classified as likely benign based on ACMG/AMP sequence variant interpretation guidelines (Richards et al. 2015 PMID: 25741868, with internal and published modifications).